The following is an entry in ClinVar:

NM_006005.3(WFS1):c.2621C>A (p.Ala874Asp)

Gene: WFS1 (wolframin ER transmembrane glycoprotein; plus strand). Cytogenetic location: 4p16.1.
Variant type: single nucleotide variant.
Coding change: c.2621C>A on transcript NM_006005.3 (MANE Select); coding-DNA position 2621, C replaced by A.
Protein change: p.Ala874Asp; replaces alanine 874 with aspartic acid.
Molecular consequence: missense variant.
Genome position (GRCh38, 1-based): chr4:6,302,416, C>A. VCF-style: chr4-6302416-C-A. GRCh37 (hg19) VCF-style: chr4-6304143-C-A.
Other names: c.2621C>A, p.Ala874Asp (NM_001145853.1); short protein forms A874D.
Identifiers: ClinVar variation 1213101 (VCV001213101.3), dbSNP rs201776585, ClinGen allele CA356179521.

ClinVar aggregate classification (germline): Uncertain significance (1 of 4 stars; one submission).

Submission:

GeneDx
Classification: Uncertain significance. Last evaluated: 2020-11-23. Review status: criteria provided, single submitter. Criteria: GeneDx Variant Classification Process June 2021. Collection method: clinical testing. Allele origin: germline. Affected: yes.
Comment: Not observed in large population cohorts (Lek et al., 2016); In silico analysis, which includes protein predictors and evolutionary conservation, supports a deleterious effect; Has not been previously published as pathogenic or benign to our knowledge